The following is an entry in ClinVar:

ClinVar aggregate classification (germline): Uncertain significance (1 of 4 stars; one submission).

Conditions:
Developmental and epileptic encephalopathy, 23 (DEE23). Also called: Epileptic encephalopathy, early infantile, 23. Identifiers: Orphanet 411986, MedGen C4014492, MONDO:0014371, OMIM 615859.

Allele frequency attached by ClinVar (database versions not stated): gnomAD exomes below 0.00001 and 0.00001; ExAC 0.00001; gnomAD 0.00001; TOPMed 0.00002; ESP Exome Variant Server 0.00015.
gnomAD v4.1: 8 of 1,613,720 alleles (0.0005%); highest among the groups gnomAD compares: South Asian, 0.0044%; no homozygotes.

Submission:

Labcorp Genetics (formerly Invitae), Labcorp
Classification: Uncertain significance for Developmental and epileptic encephalopathy, 23. Last evaluated: 2020-06-13. Review status: criteria provided, single submitter. Criteria: Invitae Variant Classification Sherloc (09022015). Collection method: clinical testing. Allele origin: germline.
Comment: In summary, the available evidence is currently insufficient to determine the role of this variant in disease. Therefore, it has been classified as a Variant of Uncertain Significance. Algorithms developed to predict the effect of missense changes on protein structure and function (SIFT, PolyPhen-2, Align-GVGD) all suggest that this variant is likely to be tolerated, but these predictions have not been confirmed by published functional studies and their clinical significance is uncertain. This variant has not been reported in the literature in individuals with DOCK7-related conditions. This variant is present in population databases (rs146890836, ExAC 0.001%). This sequence change replaces serine with glycine at codon 452 of the DOCK7 protein (p.Ser452Gly). The serine residue is highly conserved and there is a small physicochemical difference between serine and glycine.

NM_001367561.1(DOCK7):c.1354A>G (p.Ser452Gly)

Gene: DOCK7 (dedicator of cytokinesis 7; minus strand). Cytogenetic location: 1p31.3.
Variant type: single nucleotide variant.
Coding change: c.1354A>G on transcript NM_001367561.1 (MANE Select); coding-DNA position 1354, A replaced by G.
Protein change: p.Ser452Gly; replaces serine 452 with glycine.
Molecular consequence: missense variant.
Genome position (GRCh38, 1-based): chr1:62,625,330, T>C on the plus strand (A>G on the coding strand, the complement: DOCK7 is on the minus strand). VCF-style: chr1-62625330-T-C. GRCh37 (hg19) VCF-style: chr1-63091001-T-C.
Other names: c.1354A>G, p.Ser452Gly (NM_001271999.2, NM_001272000.2, NM_001272001.2 and 3 more transcripts); short protein forms S452G.
Identifiers: ClinVar variation 1054522 (VCV001054522.7), dbSNP rs146890836, ClinGen allele CA886973.